The following is an entry in ClinVar:

ClinVar aggregate classification (germline): Uncertain significance (1 of 4 stars; one submission).

Conditions:
Hereditary breast ovarian cancer syndrome. Also called: Breast and ovarian cancer; Hereditary breast and ovarian cancer; Hereditary breast and ovarian cancer syndrome (HBOC); BRCA1- and BRCA2-Associated Hereditary Breast and Ovarian Cancer; Hereditary breast and/or ovarian cancer syndrome; Hereditary breast and ovarian cancer syndrome. Identifiers: Orphanet 145, MedGen C0677776, MeSH D061325, MONDO:0003582. Disease mechanism: loss of function.

Submission:

Labcorp Genetics (formerly Invitae), Labcorp
Classification: Uncertain significance for Hereditary breast ovarian cancer syndrome. Last evaluated: 2024-10-03. Review status: criteria provided, single submitter. Criteria: Invitae Variant Classification Sherloc (09022015). Collection method: clinical testing. Allele origin: germline.
Comment: This sequence change replaces threonine, which is neutral and polar, with isoleucine, which is neutral and non-polar, at codon 509 of the BRCA1 protein (p.Thr509Ile). This variant is not present in population databases (gnomAD no frequency). This variant has not been reported in the literature in individuals affected with BRCA1-related conditions. Invitae Evidence Modeling of protein sequence and biophysical properties (such as structural, functional, and spatial information, amino acid conservation, physicochemical variation, residue mobility, and thermodynamic stability) indicates that this missense variant is not expected to disrupt BRCA1 protein function with a negative predictive value of 80%. In summary, the available evidence is currently insufficient to determine the role of this variant in disease. Therefore, it has been classified as a Variant of Uncertain Significance.

NM_007294.4(BRCA1):c.1526C>T (p.Thr509Ile)

Gene: BRCA1 (BRCA1 DNA repair associated; minus strand). Cytogenetic location: 17q21.31.
Variant type: single nucleotide variant.
Coding change: c.1526C>T on transcript NM_007294.4 (MANE Select); coding-DNA position 1526, C replaced by T.
Protein change: p.Thr509Ile; replaces threonine 509 with isoleucine.
Molecular consequence: missense variant. On other transcripts: intron variant (137).
Genome position (GRCh38, 1-based): chr17:43,094,005, G>A on the plus strand (C>T on the coding strand, the complement: BRCA1 is on the minus strand). VCF-style: chr17-43094005-G-A. GRCh37 (hg19) VCF-style: chr17-41246022-G-A.
Other names: c.1313C>T, p.Thr438Ile (NM_001407571.1, NM_001407853.1, NM_001407894.1 and 9 more transcripts); c.1526C>T, p.Thr509Ile (NM_001407581.1, NM_001407582.1, NM_001407583.1 and 30 more transcripts); c.1523C>T, p.Thr508Ile (NM_001407587.1, NM_001407590.1, NM_001407591.1 and 22 more transcripts); c.1517C>T, p.Thr506Ile (NM_001407646.1, NM_001407647.1); c.1403C>T, p.Thr468Ile (NM_001407648.1, NM_001407664.1, NM_001407665.1 and 19 more transcripts); c.1400C>T, p.Thr467Ile (NM_001407649.1, NM_001407670.1, NM_001407671.1 and 11 more transcripts); c.1448C>T, p.Thr483Ile (NM_001407653.1, NM_001407654.1, NM_001407655.1 and 4 more transcripts); c.1445C>T, p.Thr482Ile (NM_001407659.1, NM_001407660.1, NM_001407661.1 and 1 more transcripts); and 40 more; short protein forms T213I, T381I, T438I, T462I, T483I, T506I, T382I, T420I.
Identifiers: ClinVar variation 2979394 (VCV002979394.3), dbSNP rs2154440335, ClinGen allele CA10598993.